The following is an entry in ClinVar:

NM_173354.5(SIK1):c.2083G>C (p.Ala695Pro)

Gene: SIK1 (salt inducible kinase 1; minus strand). Cytogenetic location: 21q22.3.
Variant type: single nucleotide variant.
Coding change: c.2083G>C on transcript NM_173354.5 (MANE Select); coding-DNA position 2083, G replaced by C.
Protein change: p.Ala695Pro; replaces alanine 695 with proline.
Molecular consequence: missense variant.
Genome position (GRCh38, 1-based): chr21:43,417,011, C>G on the plus strand (G>C on the coding strand, the complement: SIK1 is on the minus strand). VCF-style: chr21-43417011-C-G. GRCh37 (hg19) VCF-style: chr21-44836891-C-G.
Other names: short protein forms A695P.
Identifiers: ClinVar variation 2913766 (VCV002913766.3), dbSNP rs926515568, ClinGen allele CA321324490.

ClinVar aggregate classification (germline): Uncertain significance (1 of 4 stars; one submission).

Conditions:
Developmental and epileptic encephalopathy, 30 (DEE30). Also called: Epileptic encephalopathy, early infantile, 30. Identifiers: MedGen C4225360, MONDO:0014595, OMIM 616341.

Submission:

Labcorp Genetics (formerly Invitae), Labcorp
Classification: Uncertain significance for Developmental and epileptic encephalopathy, 30. Last evaluated: 2024-02-21. Review status: criteria provided, single submitter. Criteria: Invitae Variant Classification Sherloc (09022015). Collection method: clinical testing. Allele origin: germline.
Comment: This sequence change replaces alanine, which is neutral and non-polar, with proline, which is neutral and non-polar, at codon 695 of the SIK1 protein (p.Ala695Pro). This variant is not present in population databases (gnomAD no frequency). This variant has not been reported in the literature in individuals affected with SIK1-related conditions. Advanced modeling of protein sequence and biophysical properties (such as structural, functional, and spatial information, amino acid conservation, physicochemical variation, residue mobility, and thermodynamic stability) performed at Invitae indicates that this missense variant is not expected to disrupt SIK1 protein function with a negative predictive value of 95%. In summary, the available evidence is currently insufficient to determine the role of this variant in disease. Therefore, it has been classified as a Variant of Uncertain Significance.